The following is an entry in ClinVar:

ClinVar aggregate classification (germline): Uncertain significance. Review status: criteria provided, multiple submitters, no conflicts (2 of 4 stars). 2 submissions from 2 submitters: Uncertain significance (2). Last evaluated 2023-11-10.

Conditions:
Hypertrophic cardiomyopathy 26. Also called: Cardiomyopathy, familial hypertrophic, 26. Identifiers: Orphanet 75249, MedGen C4310749, MONDO:0014883, OMIM 617047.
Myofibrillar myopathy 5. Also called: Filaminopathy (type); FILAMINOPATHY, AUTOSOMAL DOMINANT. Identifiers: Orphanet 171445, MedGen C1836050, MONDO:0012289, OMIM 609524.
Distal myopathy with posterior leg and anterior hand involvement. Also called: WILLIAMS DISTAL MYOPATHY. Identifiers: Orphanet 63273, MedGen C3279722, MONDO:0013550, OMIM 614065.

Allele frequency attached by ClinVar (database versions not stated): gnomAD exomes below 0.00001.
gnomAD v4.1: 1 of 1,614,096 alleles (0.000062%); highest among the groups gnomAD compares: Non-Finnish European, 0.000085%; no homozygotes.

Submissions (2):

Blueprint Genetics
Classification: Uncertain significance. Last evaluated: 2023-11-10. Review status: criteria provided, single submitter. Criteria: ACMG Guidelines, 2015. Collection method: clinical testing. Allele origin: germline.

Labcorp Genetics (formerly Invitae), Labcorp
Classification: Uncertain significance for Distal myopathy with posterior leg and anterior hand involvement; Myofibrillar myopathy 5; Hypertrophic cardiomyopathy 26. Last evaluated: 2020-01-15. Review status: criteria provided, single submitter. Criteria: Invitae Variant Classification Sherloc (09022015). Collection method: clinical testing. Allele origin: germline.
Comment: This sequence change replaces glycine with arginine at codon 2080 of the FLNC protein (p.Gly2080Arg). The glycine residue is highly conserved and there is a moderate physicochemical difference between glycine and arginine. In summary, the available evidence is currently insufficient to determine the role of this variant in disease. Therefore, it has been classified as a Variant of Uncertain Significance. Algorithms developed to predict the effect of missense changes on protein structure and function are either unavailable or do not agree on the potential impact of this missense change (SIFT: "Deleterious"; PolyPhen-2: "Probably Damaging"; Align-GVGD: "Class C15"). This variant has not been reported in the literature in individuals with FLNC-related conditions. This variant is not present in population databases (ExAC no frequency).

NM_001458.5(FLNC):c.6238G>C (p.Gly2080Arg)

Genes: FLNC (filamin C; plus strand), FLNC-AS1 (FLNC antisense RNA 1; minus strand). Cytogenetic location: 7q32.1.
Variant type: single nucleotide variant.
Coding change: c.6238G>C on transcript NM_001458.5 (MANE Select); coding-DNA position 6238, G replaced by C.
Protein change: p.Gly2080Arg; replaces glycine 2080 with arginine.
Molecular consequence: missense variant.
Genome position (GRCh38, 1-based): chr7:128,853,498, G>C. VCF-style: chr7-128853498-G-C. GRCh37 (hg19) VCF-style: chr7-128493552-G-C.
Other names: c.6139G>C, p.Gly2047Arg (NM_001127487.2); short protein forms G2047R, G2080R.
Identifiers: ClinVar variation 1001149 (VCV001001149.10), dbSNP rs1808912488, ClinGen allele CA369211876.